The following is an entry in ClinVar:

ClinVar aggregate classification (germline): Pathogenic. Review status: criteria provided, multiple submitters, no conflicts (2 of 4 stars). 2 submissions from 2 submitters: Pathogenic (2). Last evaluated 2025-10-17.

Conditions:
Hereditary cancer-predisposing syndrome. Also called: Neoplastic Syndromes, Hereditary; Tumor predisposition; Hereditary Cancer Syndrome; Hereditary neoplastic syndrome. Identifiers: Orphanet 140162, MedGen C0027672, MeSH D009386, MONDO:0015356.
Lynch syndrome 5 (LYNCH5). Also called: Colorectal cancer, hereditary nonpolyposis, type 5; Hereditary non-polyposis colorectal cancer, type 5. Identifiers: Orphanet 144, MedGen C1833477, MONDO:0013710, OMIM 614350. Disease mechanism: loss of function.

Submissions (2):

Myriad Genetics, Inc.
Classification: Pathogenic for Lynch syndrome 5. Last evaluated: 2025-10-17. Review status: criteria provided, single submitter. Criteria: Myriad Autosomal Dominant, Autosomal Recessive and X-Linked Classification Criteria (2023). Collection method: clinical testing. Allele origin: unknown.
Comment: This variant is considered pathogenic. This variant creates a frameshift predicted to result in premature protein truncation.

Ambry Genetics
Classification: Pathogenic for Hereditary cancer-predisposing syndrome. Last evaluated: 2019-12-20. Review status: criteria provided, single submitter. Criteria: Ambry Variant Classification Scheme 2023. Collection method: clinical testing. Allele origin: germline.
Comment: The c.1697delG pathogenic mutation, located in coding exon 4 of the MSH6 gene, results from a deletion of one nucleotide at nucleotide position 1697, causing a translational frameshift with a predicted alternate stop codon (p.G566Efs*5). This alteration is expected to result in loss of function by premature protein truncation or nonsense-mediated mRNA decay. As such, this alteration is interpreted as a disease-causing mutation.

NM_000179.3(MSH6):c.1697del (p.Gly566fs)

Gene: MSH6 (mutS homolog 6; plus strand). Cytogenetic location: 2p16.3.
Variant type: Deletion.
Coding change: c.1697del on transcript NM_000179.3 (MANE Select); coding-DNA position 1697, one base deleted (G; older notation c.1697delG).
Protein change: p.Gly566fs; shifts the reading frame from glycine 566.
Molecular consequence: frameshift variant.
Genome position (GRCh38, 1-based): chr2:47,799,680, G deleted; the last of 3 consecutive G bases (chr2:47,799,678-47,799,680); deleting any one gives the same sequence. VCF-style (leftmost placement, unchanged base first): chr2-47799677-TG-T. GRCh37 (hg19) VCF-style: chr2-48026816-TG-T.
Other names: c.1307del, p.Gly436fs (NM_001281492.2); c.791del, p.Gly264fs (NM_001281493.2, NM_001281494.2); c.1793delG, p.Gly598Glufs (NM_001406795.1, NM_001406802.1); c.1697delG, p.Gly566Glufs (NM_001406796.1, NM_001406798.1, NM_001406800.1 and 3 more transcripts); c.1400delG, p.Gly467Glufs (NM_001406797.1, NM_001406801.1, NM_001406805.1 and 10 more transcripts); c.1172delG, p.Gly391Glufs (NM_001406799.1, NM_001406806.1, NM_001406807.1); c.1619delG, p.Gly540Glufs (NM_001406804.1); c.791delG, p.Gly264Glufs (NM_001406811.1, NM_001406812.1, NM_001406814.1 and 4 more transcripts); and 2 more; short protein forms G264fs, G436fs, G566fs.
Identifiers: ClinVar variation 1778254 (VCV001778254.3), dbSNP rs2530625203, ClinGen allele CA2580067674.